The following is an entry in ClinVar:

NM_001190274.2(FBXO11):c.2736dup (p.Tyr913fs)

Genes: FBXO11 (F-box protein 11; minus strand), MSH6 (mutS homolog 6; plus strand). Cytogenetic location: 2p16.3.
Variant type: Duplication.
Coding change: c.2736dup on transcript NM_001190274.2 (MANE Select); coding-DNA position 2736, one base duplicated (A; older notation c.2736dupA).
Protein change: p.Tyr913fs; shifts the reading frame from tyrosine 913.
Molecular consequence: frameshift variant.
Genome position (GRCh38, 1-based): chr2:47,808,166, T duplicated on the plus strand (A on the coding strand, the reverse complement: FBXO11 is on the minus strand). VCF-style (leftmost placement, unchanged base first): chr2-47808165-A-AT. GRCh37 (hg19) VCF-style: chr2-48035304-A-AT.
Other names: c.2484dup, p.Tyr829fs (NM_001374325.1, NM_025133.4); short protein forms Y829fs, Y913fs.
Identifiers: ClinVar variation 2134559 (VCV002134559.4), dbSNP rs2530936478, ClinGen allele CA2580066820.

ClinVar aggregate classification (germline): Pathogenic (1 of 4 stars; one submission).

Submission:

Labcorp Genetics (formerly Invitae), Labcorp
Classification: Pathogenic. Last evaluated: 2022-05-06. Review status: criteria provided, single submitter. Criteria: Invitae Variant Classification Sherloc (09022015). Collection method: clinical testing. Allele origin: germline.
Comment: This variant disrupts a region of the FBXO11 protein in which other variant(s) (p.Tyr913*) have been determined to be pathogenic (PMID: 27620904; Invitae). This suggests that this is a clinically significant region of the protein, and that variants that disrupt it are likely to be disease-causing. For these reasons, this variant has been classified as Pathogenic. This variant has not been reported in the literature in individuals affected with FBXO11-related conditions. This variant is not present in population databases (gnomAD no frequency). This sequence change creates a premature translational stop signal (p.Tyr913Ilefs*2) in the FBXO11 gene. While this is not anticipated to result in nonsense mediated decay, it is expected to disrupt the last 15 amino acid(s) of the FBXO11 protein.

Literature cited by the submitters: PubMed 27620904.